The following is an entry in ClinVar:

ClinVar aggregate classification (germline): Benign/Likely benign. Review status: criteria provided, multiple submitters, no conflicts (2 of 4 stars). 4 submissions from 4 submitters: Benign (1); Likely benign (3). Last evaluated 2025-09-23.

Conditions:
Pheochromocytoma/paraganglioma syndrome 4. Also called: PARAGANGLIOMA, FAMILIAL MALIGNANT; PARAGANGLIOMAS, HEREDITARY EXTRAADRENAL; PHEOCHROMOCYTOMA, FAMILIAL EXTRAADRENAL; Paragangliomas 4; CAROTID BODY TUMORS AND MULTIPLE EXTRAADRENAL PHEOCHROMOCYTOMAS; SDHB-Related Hereditary Paraganglioma-Pheochromocytoma Syndrome (Paragangliomas 4). Identifiers: Orphanet 29072, MedGen C1861848, MONDO:0007273, OMIM 115310.
Gastrointestinal stromal tumor. Also called: Gastrointestinal stroma tumor; Gastrointestinal stromal tumor, somatic. Identifiers: Orphanet 44890, MedGen C0238198, MeSH D046152, MONDO:0011719, OMIM 606764, HP:0100723.
Pheochromocytoma. Also called: MAX-Related Hereditary Paraganglioma-Pheochromocytoma Syndrome. Identifiers: Orphanet 29072, MedGen C0031511, MONDO:0008233, OMIM 171300, HP:0002666.
Hereditary pheochromocytoma and paraganglioma. Also called: Hereditary Paraganglioma-Pheochromocytoma Syndromes; Hereditary pheochromocytoma-paraganglioma; Hereditary paragangliomas and pheochromocytomas. Identifiers: Orphanet 29072, MedGen C4274332, MONDO:0017366.
Hereditary cancer-predisposing syndrome. Also called: Neoplastic Syndromes, Hereditary; Hereditary Cancer Syndrome; Hereditary neoplastic syndrome; Tumor predisposition. Identifiers: Orphanet 140162, MedGen C0027672, MeSH D009386, MONDO:0015356.

Allele frequency attached by ClinVar (database versions not stated): gnomAD exomes 0.00001 and 0.00002.
gnomAD v4.1: 7 of 1,611,882 alleles (0.00043%); highest among the groups gnomAD compares: East Asian, 0.016%; no homozygotes.

Submissions (4):

Labcorp Genetics (formerly Invitae), Labcorp
Classification: Likely benign for Gastrointestinal stromal tumor; Pheochromocytoma/paraganglioma syndrome 4; Pheochromocytoma. Last evaluated: 2025-09-23. Review status: criteria provided, single submitter. Criteria: Invitae Variant Classification Sherloc (09022015). Collection method: clinical testing. Allele origin: germline.

Color Diagnostics, LLC DBA Color Health
Classification: Likely benign for Hereditary pheochromocytoma and paraganglioma. Last evaluated: 2025-05-30. Review status: criteria provided, single submitter. Criteria: ACMG Guidelines, 2015. Collection method: clinical testing. Allele origin: germline.

Myriad Genetics, Inc.
Classification: Benign for Pheochromocytoma/paraganglioma syndrome 4. Last evaluated: 2025-03-13. Review status: criteria provided, single submitter. Criteria: Myriad Autosomal Dominant, Autosomal Recessive and X-Linked Classification Criteria (2023). Collection method: clinical testing. Allele origin: unknown.
Comment: This variant is considered benign. This variant is a silent/synonymous amino acid change and it is not expected to impact splicing.

Ambry Genetics
Classification: Likely benign for Hereditary cancer-predisposing syndrome. Last evaluated: 2021-01-14. Review status: criteria provided, single submitter. Criteria: Ambry Variant Classification Scheme 2023. Collection method: clinical testing. Allele origin: germline.

NM_003000.3(SDHB):c.783A>G (p.Lys261=)

Gene: SDHB (succinate dehydrogenase complex iron sulfur subunit B; minus strand). Cytogenetic location: 1p36.13.
Variant type: single nucleotide variant.
Coding change: c.783A>G on transcript NM_003000.3 (MANE Select); coding-DNA position 783, A replaced by G.
Protein change: p.Lys261=; no amino-acid change (lysine 261 retained).
Molecular consequence: synonymous variant.
Genome position (GRCh38, 1-based): chr1:17,018,941, T>C on the plus strand (A>G on the coding strand, the complement: SDHB is on the minus strand). VCF-style: chr1-17018941-T-C. GRCh37 (hg19) VCF-style: chr1-17345436-T-C.
Identifiers: ClinVar variation 417297 (VCV000417297.15), dbSNP rs1060505014, ClinGen allele CA16609913.